The following is an entry in ClinVar:

ClinVar aggregate classification (germline): Likely benign (1 of 4 stars; one submission).

Conditions:
Hereditary breast ovarian cancer syndrome. Also called: Hereditary breast and/or ovarian cancer syndrome; BRCA1- and BRCA2-Associated Hereditary Breast and Ovarian Cancer; Hereditary breast and ovarian cancer syndrome; Hereditary breast and ovarian cancer; Hereditary breast and ovarian cancer syndrome (HBOC); Breast and ovarian cancer. Identifiers: Orphanet 145, MedGen C0677776, MeSH D061325, MONDO:0003582. Disease mechanism: loss of function.

Submissions (2):

Labcorp Genetics (formerly Invitae), Labcorp
Classification: Likely benign for Hereditary breast ovarian cancer syndrome. Last evaluated: 2025-08-07. Review status: criteria provided, single submitter. Criteria: Invitae Variant Classification Sherloc (09022015). Collection method: clinical testing. Allele origin: germline.

Brotman Baty Institute, University of Washington
No classification provided (evidence only). Condition: Breast-ovarian cancer, familial 1. Review status: no classification provided. Collection method: in vitro. Allele origin: not applicable. Functional consequence: functionally_normal. Not counted in ClinVar's aggregate classification.
ClinVar note: "not provided" was previously submitted as the classification for the variant. However, the classification appeared to be based only on an observation of functional data so it was converted to no classification on 2025-07-30.

NM_007294.4(BRCA1):c.5193+9T>C

Gene: BRCA1 (BRCA1 DNA repair associated; minus strand). Cytogenetic location: 17q21.31.
Variant type: single nucleotide variant.
Coding change: c.5193+9T>C on transcript NM_007294.4 (MANE Select); 9 bases into the intron after coding-DNA position 5193, T replaced by C.
Molecular consequence: intron variant.
Genome position (GRCh38, 1-based): chr17:43,063,324, A>G on the plus strand (T>C on the coding strand, the complement: BRCA1 is on the minus strand). VCF-style: chr17-43063324-A-G. GRCh37 (hg19) VCF-style: chr17-41215341-A-G.
Other names: c.5190+9T>C (NM_001407623.1, NM_001407615.1, NM_001407625.1 and 17 more transcripts); c.5193+9T>C (NM_001407605.1, NM_001407684.1, NM_001407594.1 and 7 more transcripts); c.4980+9T>C (NM_001407902.1, NM_001407897.1, NM_001407908.1 and 12 more transcripts); c.1803+9T>C (NM_001408414.1, NM_001408415.1, NM_001408412.1 and 2 more transcripts); c.1806+9T>C (NM_001408411.1); c.5115+9T>C (NM_001407655.1, NM_001407654.1, NM_001407652.1 and 1 more transcripts); c.4854+9T>C (NM_001407956.1, NM_001407957.1, NM_001407958.1); c.4860+9T>C (NM_001407947.1, NM_001407949.1, NM_001407946.1 and 1 more transcripts); and 72 more.
Identifiers: ClinVar variation 867470 (VCV000867470.11), dbSNP rs2051852129, ClinGen allele CA916080025.